The following is an entry in ClinVar:

ClinVar aggregate classification (germline): Uncertain significance. Review status: criteria provided, multiple submitters, no conflicts (2 of 4 stars). 3 submissions from 3 submitters: Uncertain significance (3). Last evaluated 2024-05-16.

Conditions:
Inborn genetic diseases. Identifiers: MedGen C0950123, MeSH D030342.

Allele frequency attached by ClinVar (database versions not stated): gnomAD 0.00005; 1000 Genomes Project 30x 0.00016; 1000 Genomes Project 0.00020.

Submissions (3):

Ambry Genetics
Classification: Uncertain significance for Inborn genetic diseases. Last evaluated: 2024-05-16. Review status: criteria provided, single submitter. Criteria: Ambry Variant Classification Scheme 2023. Collection method: clinical testing. Allele origin: germline.

Revvity Omics, Revvity
Classification: Uncertain significance. Last evaluated: 2024-04-09. Review status: criteria provided, single submitter. Criteria: ACMG Guidelines, 2015. Collection method: clinical testing. Allele origin: germline.

Mayo Clinic Laboratories, Mayo Clinic
Classification: Uncertain significance. Last evaluated: 2022-06-21. Review status: criteria provided, single submitter. Criteria: ACMG Guidelines, 2015. Collection method: clinical testing. Allele origin: germline. Observed: 1 variant allele.
Comment: BP4_strong

NM_001142864.4(PIEZO1):c.4196G>A (p.Arg1399Gln)

Gene: PIEZO1 (piezo type mechanosensitive ion channel component 1 (Er blood group); minus strand). Cytogenetic location: 16q24.3.
Variant type: single nucleotide variant.
Coding change: c.4196G>A on transcript NM_001142864.4 (MANE Select); coding-DNA position 4196, G replaced by A.
Protein change: p.Arg1399Gln; replaces arginine 1399 with glutamine.
Molecular consequence: missense variant.
Genome position (GRCh38, 1-based): chr16:88,725,047, C>T on the plus strand (G>A on the coding strand, the complement: PIEZO1 is on the minus strand). VCF-style: chr16-88725047-C-T. GRCh37 (hg19) VCF-style: chr16-88791455-C-T.
Other names: p.Arg1399Gln; c.2738G>A, p.Arg913Gln (NM_014745.1); short protein forms R1399Q, R913Q.
Identifiers: ClinVar variation 2683393 (VCV002683393.3), dbSNP rs562828608, ClinGen allele CA286412510.